The following is an entry in ClinVar:

NM_022095.4(ZNF335):c.1660G>T (p.Asp554Tyr)

Gene: ZNF335 (zinc finger protein 335; minus strand). Cytogenetic location: 20q13.12.
Variant type: single nucleotide variant.
Coding change: c.1660G>T on transcript NM_022095.4 (MANE Select); coding-DNA position 1660, G replaced by T.
Protein change: p.Asp554Tyr; replaces aspartic acid 554 with tyrosine.
Molecular consequence: missense variant.
Genome position (GRCh38, 1-based): chr20:45,960,869, C>A on the plus strand (G>T on the coding strand, the complement: ZNF335 is on the minus strand). VCF-style: chr20-45960869-C-A. GRCh37 (hg19) VCF-style: chr20-44589508-C-A.
Other names: short protein forms D554Y.
Identifiers: ClinVar variation 1428277 (VCV001428277.8), dbSNP rs2145391115, ClinGen allele CA409247682.

ClinVar aggregate classification (germline): Uncertain significance (1 of 4 stars; one submission).

Submission:

Labcorp Genetics (formerly Invitae), Labcorp
Classification: Uncertain significance. Last evaluated: 2022-08-23. Review status: criteria provided, single submitter. Criteria: Invitae Variant Classification Sherloc (09022015). Collection method: clinical testing. Allele origin: germline.
Comment: In summary, the available evidence is currently insufficient to determine the role of this variant in disease. Therefore, it has been classified as a Variant of Uncertain Significance. Algorithms developed to predict the effect of missense changes on protein structure and function (SIFT, PolyPhen-2, Align-GVGD) all suggest that this variant is likely to be disruptive. ClinVar contains an entry for this variant (Variation ID: 1428277). This variant has not been reported in the literature in individuals affected with ZNF335-related conditions. This variant is not present in population databases (gnomAD no frequency). This sequence change replaces aspartic acid, which is acidic and polar, with tyrosine, which is neutral and polar, at codon 554 of the ZNF335 protein (p.Asp554Tyr).